The following is an entry in ClinVar:

NM_058246.4(DNAJB6):c.176-8A>G

Gene: DNAJB6 (DnaJ heat shock protein family (Hsp40) member B6; plus strand). Cytogenetic location: 7q36.3.
Variant type: single nucleotide variant.
Coding change: c.176-8A>G on transcript NM_058246.4 (MANE Select); 8 bases into the intron before coding-DNA position 176, A replaced by G.
Molecular consequence: intron variant.
Genome position (GRCh38, 1-based): chr7:157,366,494, A>G. VCF-style: chr7-157366494-A-G. GRCh37 (hg19) VCF-style: chr7-157159188-A-G.
Other names: c.176-8A>G (NM_001363676.1, NM_005494.3).
Identifiers: ClinVar variation 4805581 (VCV004805581.1).
Genomic context (GRCh38, chr7:157,366,494, plus strand): 5'-ATACCTTATCTATTGAATTAAGGGTTTAAAAGGAACTTGGCCTTACCGACTTTTCTTTCA[A>G]TTTTTAGCTAAGAAACGGGACATCTATGACAAATATGGCAAAGAAGGATTAAATGGTGGA-3'

ClinVar aggregate classification (germline): Uncertain significance (1 of 4 stars; one submission).

Conditions:
Autosomal dominant limb-girdle muscular dystrophy type 1D (DNAJB6) (LGMDD1). Also called: MUSCULAR DYSTROPHY, LIMB-GIRDLE, TYPE 1D; MUSCULAR DYSTROPHY, AUTOSOMAL DOMINANT, WITH RIMMED VACUOLES; Autosomal dominant limb-girdle muscular dystrophy type 1D; Muscular dystrophy, limb-girdle, autosomal dominant 1. Identifiers: Orphanet 34516, MedGen C4721885, MONDO:0021018, OMIM 603511.

gnomAD v4.1: 3 of 1,613,838 alleles (0.00019%); highest among the groups gnomAD compares: Non-Finnish European, 0.00017%; no homozygotes.

Submission:

Labcorp Genetics (formerly Invitae), Labcorp
Classification: Uncertain significance for Autosomal dominant limb-girdle muscular dystrophy type 1D (DNAJB6). Last evaluated: 2025-03-12. Review status: criteria provided, single submitter. Criteria: Invitae Variant Classification Sherloc (09022015). Collection method: clinical testing. Allele origin: germline.
Comment: This sequence change falls in intron 3 of the DNAJB6 gene. It does not directly change the encoded amino acid sequence of the DNAJB6 protein. This variant is not present in population databases (gnomAD no frequency). This variant has not been reported in the literature in individuals affected with DNAJB6-related conditions. Algorithms developed to predict the effect of sequence changes on RNA splicing suggest that this variant may disrupt the consensus splice site. In summary, the available evidence is currently insufficient to determine the role of this variant in disease. Therefore, it has been classified as a Variant of Uncertain Significance.